The following is an entry in ClinVar:

NM_007315.4(STAT1):c.1727+12C>T

Gene: STAT1 (signal transducer and activator of transcription 1; minus strand). Cytogenetic location: 2q32.2.
Variant type: single nucleotide variant.
Coding change: c.1727+12C>T on transcript NM_007315.4 (MANE Select); 12 bases into the intron after coding-DNA position 1727, C replaced by T.
Molecular consequence: intron variant.
Genome position (GRCh38, 1-based): chr2:190,979,760, G>A on the plus strand (C>T on the coding strand, the complement: STAT1 is on the minus strand). VCF-style: chr2-190979760-G-A. GRCh37 (hg19) VCF-style: chr2-191844486-G-A.
Other names: c.1637+12C>T (NM_001384890.1); c.1628+12C>T (NM_001384883.1); c.1568+12C>T (NM_001384885.1); c.1634+12C>T (NM_001384887.1); c.1667+12C>T (NM_001384880.1); c.1697+12C>T (NM_001384888.1); c.1721+12C>T (NM_001384882.1); c.1727+12C>T (NM_001384889.1, NM_001384886.1, NM_139266.3); and 2 more.
Identifiers: ClinVar variation 333268 (VCV000333268.14), dbSNP rs201733976, ClinGen allele CA2029840.

ClinVar aggregate classification (germline): Benign/Likely benign. Review status: criteria provided, multiple submitters, no conflicts (2 of 4 stars). 4 submissions from 4 submitters: Benign (1); Likely benign (3). Last evaluated 2026-02-01.

Conditions:
Mendelian susceptibility to mycobacterial diseases due to partial STAT1 deficiency. Also called: IMMUNODEFICIENCY 31A, MYCOBACTERIOSIS, AUTOSOMAL DOMINANT; STAT1 DEFICIENCY, AUTOSOMAL DOMINANT; Immunodeficiency 31a. Identifiers: Orphanet 319595, MedGen C4013950, MONDO:0013956, OMIM 614892.
Immunodeficiency 31B. Also called: IMMUNODEFICIENCY 31B, MYCOBACTERIAL AND VIRAL INFECTIONS, AUTOSOMAL RECESSIVE; STAT1 DEFICIENCY, AUTOSOMAL RECESSIVE. Identifiers: Orphanet 391311, MedGen C3151088, MONDO:0013427, OMIM 613796.
Autoimmune enteropathy and endocrinopathy - susceptibility to chronic infections syndrome. Also called: Immunodeficiency 31C; Immunodeficiency 31C, autosomal dominant. Identifiers: Orphanet 391487, MedGen C3279990, MONDO:0013599, OMIM 614162.

Allele frequency attached by ClinVar (database versions not stated): ESP Exome Variant Server 0.00015; gnomAD exomes 0.00037 and 0.00053; ExAC 0.00045; gnomAD 0.00053 and 0.00054; TOPMed 0.00062; 1000 Genomes Project 0.00080; 1000 Genomes Project 30x 0.00094.
gnomAD v4.1: 659 of 1,595,132 alleles (0.041%); highest among the groups gnomAD compares: Middle Eastern, 0.81%; 3 homozygotes.

Submissions (4):

Labcorp Genetics (formerly Invitae), Labcorp
Classification: Likely benign for Mendelian susceptibility to mycobacterial diseases due to partial STAT1 deficiency; Immunodeficiency 31B; Autoimmune enteropathy and endocrinopathy - susceptibility to chronic infections syndrome. Last evaluated: 2026-02-01. Review status: criteria provided, single submitter. Criteria: Invitae Variant Classification Sherloc (09022015). Collection method: clinical testing. Allele origin: germline.

Blueprint Genetics
Classification: Likely benign. Last evaluated: 2024-11-25. Review status: criteria provided, single submitter. Criteria: ACMG Guidelines, 2015. Collection method: clinical testing. Allele origin: germline.

Illumina Laboratory Services, Illumina
Classification: Benign for Mendelian susceptibility to mycobacterial diseases due to partial STAT1 deficiency. Last evaluated: 2018-01-13. Review status: criteria provided, single submitter. Criteria: ICSL Variant Classification Criteria 13 December 2019. Collection method: clinical testing. Allele origin: germline.
Comment: This variant was observed in the ICSL laboratory as part of a predisposition screen in an ostensibly healthy population. It had not been previously curated by ICSL or reported in the Human Gene Mutation Database (HGMD: prior to June 1st, 2018), and was therefore a candidate for classification through an automated scoring system. Utilizing variant allele frequency, disease prevalence and penetrance estimates, and inheritance mode, an automated score was calculated to assess if this variant is too frequent to cause the disease. Based on the score and internal cut-off values, a variant classified as benign is not then subjected to further curation. The score for this variant resulted in a classification of benign for this disease.

Breakthrough Genomics
Classification: Likely benign. Review status: criteria provided, single submitter. Criteria: ACMG Guidelines, 2015. Collection method: not provided. Allele origin: germline. Inheritance: Autosomal recessive inheritance. Affected: yes.